The following is an entry in ClinVar:

ClinVar aggregate classification (germline): Pathogenic (1 of 4 stars; one submission).

Conditions:
Duchenne muscular dystrophy (DMD). Also called: MUSCULAR DYSTROPHY, PSEUDOHYPERTROPHIC PROGRESSIVE, DUCHENNE TYPE; Duchenne Muscular Dystrophy (DMD). Identifiers: Orphanet 98896, MedGen C0013264, MONDO:0010679, OMIM 310200.

Submission:

Labcorp Genetics (formerly Invitae), Labcorp
Classification: Pathogenic for Duchenne muscular dystrophy. Last evaluated: 2020-08-14. Review status: criteria provided, single submitter. Criteria: Invitae Variant Classification Sherloc (09022015). Collection method: clinical testing. Allele origin: unknown.
Comment: Loss-of-function variants in DMD are known to be pathogenic (PMID: 16770791, 25007885). This variant is an out-of-frame deletion of the genomic region encompassing exon 8 of the DMD gene. This is expected to create a premature translational stop signal and result in an absent or disrupted protein product. This variant has been observed in several individuals affected with Duchenne muscular dystrophy (PMID: 9800909, 19907931), and has also been observed in an individual with clinical features of dystrophinopathy (PMID: 26718981). For these reasons, this variant has been classified as Pathogenic.

Literature cited by the submitters: PubMed 16770791; PubMed 25007885; PubMed 9800909; PubMed 19907931; PubMed 26718981.

NC_000023.11:g.(?_32699102)_(32699303_?)del

Gene: DMD (dystrophin; minus strand). Cytogenetic location: Xp21.1.
Variant type: Deletion.
Identifiers: ClinVar variation 3243275 (VCV003243275.1).